The following is an entry in ClinVar:

ClinVar aggregate classification (germline): Uncertain significance (1 of 4 stars; one submission).

Allele frequency attached by ClinVar (database versions not stated): TOPMed 0.00001; ExAC 0.00002.
gnomAD v4.1: 14 of 1,562,770 alleles (0.0009%); highest among the groups gnomAD compares: African/African-American, 0.0027%; 1 homozygote.

Submission:

Labcorp Genetics (formerly Invitae), Labcorp
Classification: Uncertain significance. Last evaluated: 2023-10-04. Review status: criteria provided, single submitter. Criteria: Invitae Variant Classification Sherloc (09022015). Collection method: clinical testing. Allele origin: germline.
Comment: This sequence change replaces arginine, which is basic and polar, with cysteine, which is neutral and slightly polar, at codon 346 of the AHDC1 protein (p.Arg346Cys). The frequency data for this variant in the population databases is considered unreliable, as metrics indicate poor data quality at this position in the gnomAD database. This variant has not been reported in the literature in individuals affected with AHDC1-related conditions. Algorithms developed to predict the effect of missense changes on protein structure and function output the following: SIFT: "Not Available"; PolyPhen-2: "Benign"; Align-GVGD: "Not Available". The cysteine amino acid residue is found in multiple mammalian species, which suggests that this missense change does not adversely affect protein function. In summary, the available evidence is currently insufficient to determine the role of this variant in disease. Therefore, it has been classified as a Variant of Uncertain Significance.

NM_001371928.1(AHDC1):c.1036C>T (p.Arg346Cys)

Gene: AHDC1 (AT-hook DNA binding motif containing 1; minus strand). Cytogenetic location: 1p36.11.
Variant type: single nucleotide variant.
Coding change: c.1036C>T on transcript NM_001371928.1 (MANE Select); coding-DNA position 1036, C replaced by T.
Protein change: p.Arg346Cys; replaces arginine 346 with cysteine.
Molecular consequence: missense variant.
Genome position (GRCh38, 1-based): chr1:27,551,080, G>A on the plus strand (C>T on the coding strand, the complement: AHDC1 is on the minus strand). VCF-style: chr1-27551080-G-A. GRCh37 (hg19) VCF-style: chr1-27877591-G-A.
Other names: c.1036C>T, p.Arg346Cys (NM_001029882.3); short protein forms R346C.
Identifiers: ClinVar variation 2996604 (VCV002996604.3), dbSNP rs759345466, ClinGen allele CA716034.